The following is an entry in ClinVar:

NM_024652.6(LRRK1):c.4544C>T (p.Ser1515Leu)

Genes: LRRK1 (leucine rich repeat kinase 1; plus strand), LRRK1-AS1 (LRRK1 antisense RNA 1; minus strand). Cytogenetic location: 15q26.3.
Variant type: single nucleotide variant.
Coding change: c.4544C>T on transcript NM_024652.6 (MANE Select); coding-DNA position 4544, C replaced by T.
Protein change: p.Ser1515Leu; replaces serine 1515 with leucine.
Molecular consequence: missense variant.
Genome position (GRCh38, 1-based): chr15:101,058,006, C>T. VCF-style: chr15-101058006-C-T. GRCh37 (hg19) VCF-style: chr15-101598211-C-T.
Other names: short protein forms S1515L.
Identifiers: ClinVar variation 4701170 (VCV004701170.1).

ClinVar aggregate classification (germline): Uncertain significance (1 of 4 stars; one submission).

gnomAD v4.1: 6 of 1,614,136 alleles (0.00037%); highest among the groups gnomAD compares: South Asian, 0.0022%; no homozygotes.

Submission:

Labcorp Genetics (formerly Invitae), Labcorp
Classification: Uncertain significance. Last evaluated: 2025-09-29. Review status: criteria provided, single submitter. Criteria: Invitae Variant Classification Sherloc (09022015). Collection method: clinical testing. Allele origin: germline.
Comment: This sequence change replaces serine, which is neutral and polar, with leucine, which is neutral and non-polar, at codon 1515 of the LRRK1 protein (p.Ser1515Leu). This variant is not present in population databases (gnomAD no frequency). This variant has not been reported in the literature in individuals affected with LRRK1-related conditions. An algorithm developed to predict the effect of missense changes on protein structure and function (PolyPhen-2) suggests that this variant is likely to be tolerated. In summary, the available evidence is currently insufficient to determine the role of this variant in disease. Therefore, it has been classified as a Variant of Uncertain Significance.